The following is an entry in ClinVar:

NM_005215.4(DCC):c.1874C>A (p.Pro625Gln)

Gene: DCC (DCC netrin 1 receptor; plus strand). Cytogenetic location: 18q21.2.
Variant type: single nucleotide variant.
Coding change: c.1874C>A on transcript NM_005215.4 (MANE Select); coding-DNA position 1874, C replaced by A.
Protein change: p.Pro625Gln; replaces proline 625 with glutamine.
Molecular consequence: missense variant.
Genome position (GRCh38, 1-based): chr18:53,215,560, C>A. VCF-style: chr18-53215560-C-A. GRCh37 (hg19) VCF-style: chr18-50741930-C-A.
Other names: short protein forms P625Q.
Identifiers: ClinVar variation 1710394 (VCV001710394.3), dbSNP rs755847775, ClinGen allele CA402518716.

ClinVar aggregate classification (germline): Uncertain significance (1 of 4 stars; one submission).

Submission:

Greenwood Genetic Center Diagnostic Laboratories, Greenwood Genetic Center
Classification: Uncertain significance. Last evaluated: 2022-09-07. Review status: criteria provided, single submitter. Criteria: ACMG Guidelines, 2015. Collection method: clinical testing. Allele origin: germline. Affected: yes.
Comment: PM2, PP3